The following is an entry in ClinVar:

ClinVar aggregate classification (germline): Conflicting classifications of pathogenicity. Review status: criteria provided, conflicting classifications (1 of 4 stars). 3 submissions from 3 submitters: Likely pathogenic (1); Uncertain significance (2). Last evaluated 2026-03-26.

Conditions:
Hereditary cancer-predisposing syndrome. Also called: Tumor predisposition; Hereditary Cancer Syndrome; Neoplastic Syndromes, Hereditary; Hereditary neoplastic syndrome. Identifiers: Orphanet 140162, MedGen C0027672, MeSH D009386, MONDO:0015356.
Familial cancer of breast. Also called: hereditary breast carcinoma; Hereditary breast cancer; BREAST CANCER, FAMILIAL. Identifiers: Orphanet 227535, MedGen C0346153, MONDO:0016419, OMIM 114480. Disease mechanism: loss of function.

Allele frequency attached by ClinVar (database versions not stated): TOPMed below 0.00001; gnomAD exomes below 0.00001.
gnomAD v4.1: 1 of 1,613,690 alleles (0.000062%); highest among the groups gnomAD compares: African/African-American, 0.0013%; no homozygotes.

Submissions (3):

Ambry Genetics
Classification: Likely pathogenic for Hereditary cancer-predisposing syndrome. Last evaluated: 2026-03-26. Review status: criteria provided, single submitter. Criteria: Ambry Variant Classification Scheme 2023. Collection method: clinical testing. Allele origin: germline.
Comment: The c.1396-5A>G intronic variant results from an A to G substitution 5 nucleotides upstream from coding exon 6 in the BARD1 gene. This nucleotide position is well conserved in available vertebrate species. In silico splice site analysis predicts that this alteration may weaken the native splice acceptor site and will result in the creation or strengthening of a novel splice acceptor site. RNA studies have demonstrated that this alteration results in abnormal splicing in the set of samples tested (Ambry internal data). Based on the majority of available evidence to date, this variant is likely to be pathogenic.

Labcorp Genetics (formerly Invitae), Labcorp
Classification: Uncertain significance for Familial cancer of breast. Last evaluated: 2025-05-05. Review status: criteria provided, single submitter. Criteria: Invitae Variant Classification Sherloc (09022015). Collection method: clinical testing. Allele origin: germline.
Comment: This sequence change falls in intron 5 of the BARD1 gene. It does not directly change the encoded amino acid sequence of the BARD1 protein. RNA analysis indicates that this variant induces altered splicing and may result in an absent or altered protein product. This variant is not present in population databases (gnomAD no frequency). This variant has not been reported in the literature in individuals affected with BARD1-related conditions. ClinVar contains an entry for this variant (Variation ID: 567166). Studies have shown that this variant results in activation of a cryptic splice site, and produces a non-functional protein and/or introduces a premature termination codon (internal data). In summary, the available evidence is currently insufficient to determine the role of this variant in disease. Therefore, it has been classified as a Variant of Uncertain Significance.

Color Diagnostics, LLC DBA Color Health
Classification: Uncertain significance for Hereditary cancer-predisposing syndrome. Last evaluated: 2024-05-17. Review status: criteria provided, single submitter. Criteria: ACMG Guidelines, 2015. Collection method: clinical testing. Allele origin: germline.
Comment: This variant causes an A to G nucleotide substitution at the -5 position of intron 5/10 of the BARD1 gene. Splice site prediction tools predict that this variant may have a significant impact on RNA splicing. This variant is predicted to create a cryptic splice acceptor site that causes out-of-frame splicing. External laboratories have reported RNA analyses that detected aberrant and out-of-frame splicing in carriers of this variant (ClinVar SCV000814722.7, SCV001171626.4). To our knowledge, functional studies have not been reported for this variant nor has this variant been reported in individuals affected with BARD1-related disorders in the literature. This variant has been identified in 1/250674 chromosomes in the general population by the Genome Aggregation Database (gnomAD). Although there is a suspicion that this variant may be associated with disease, additional published RNA, functional and/or clinical studies are necessary to determine the role of this variant in disease conclusively. Therefore, this variant is classified as a Variant of Uncertain Significance.

NM_000465.4(BARD1):c.1396-5A>G

Gene: BARD1 (BRCA1 associated RING domain 1; minus strand). Cytogenetic location: 2q35.
Variant type: single nucleotide variant.
Coding change: c.1396-5A>G on transcript NM_000465.4 (MANE Select); 5 bases into the intron before coding-DNA position 1396, A replaced by G.
Molecular consequence: intron variant.
Genome position (GRCh38, 1-based): chr2:214,767,659, T>C on the plus strand (A>G on the coding strand, the complement: BARD1 is on the minus strand). VCF-style: chr2-214767659-T-C. GRCh37 (hg19) VCF-style: chr2-215632383-T-C.
Other names: c.1396-5A>G (LRG_297t1); c.159-15104A>G (NM_001282548.2); c.1339-5A>G (NM_001282543.2); c.216-15104A>G (NM_001282545.2); c.364+24638A>G (NM_001282549.2).
Identifiers: ClinVar variation 567166 (VCV000567166.20), dbSNP rs1559410251, ClinGen allele CA891842524.